The following is an entry in ClinVar:

NM_205836.3(FBXO38):c.1093+2T>A

Gene: FBXO38 (F-box protein 38; plus strand). Cytogenetic location: 5q32.
Variant type: single nucleotide variant.
Coding change: c.1093+2T>A on transcript NM_205836.3 (MANE Select); the canonical splice donor site of the intron after coding-DNA position 1093, T replaced by A.
Molecular consequence: splice donor variant.
Genome position (GRCh38, 1-based): chr5:148,410,767, T>A. VCF-style: chr5-148410767-T-A. GRCh37 (hg19) VCF-style: chr5-147790330-T-A.
Other names: c.1093+2T>A (NM_030793.5, NM_001271723.2).
Identifiers: ClinVar variation 541011 (VCV000541011.8), dbSNP rs1554079701, ClinGen allele CA361658458.

ClinVar aggregate classification (germline): Uncertain significance (1 of 4 stars; one submission).

Conditions:
Distal hereditary motor neuropathy type 2. Identifiers: Orphanet 139525, MedGen C3711384, MeSH C580044, MONDO:0015352.

Allele frequency attached by ClinVar (database versions not stated): gnomAD exomes below 0.00001.
gnomAD v4.1: 2 of 1,601,852 alleles (0.00012%); highest among the groups gnomAD compares: Non-Finnish European, 0.00017%; no homozygotes.

Submission:

Labcorp Genetics (formerly Invitae), Labcorp
Classification: Uncertain significance for Distal hereditary motor neuropathy type 2. Last evaluated: 2023-03-07. Review status: criteria provided, single submitter. Criteria: Invitae Variant Classification Sherloc (09022015). Collection method: clinical testing. Allele origin: germline.
Comment: This sequence change affects a donor splice site in intron 9 of the FBXO38 gene. It is expected to disrupt RNA splicing. Variants that disrupt the donor or acceptor splice site typically lead to a loss of protein function (PMID: 16199547), however the current clinical and genetic evidence is not sufficient to establish whether loss-of-function variants in FBXO38 cause disease. In summary, the available evidence is currently insufficient to determine the role of this variant in disease. Therefore, it has been classified as a Variant of Uncertain Significance. Algorithms developed to predict the effect of sequence changes on RNA splicing suggest that this variant may disrupt the consensus splice site. ClinVar contains an entry for this variant (Variation ID: 541011). This variant has not been reported in the literature in individuals affected with FBXO38-related conditions. This variant is present in population databases (no rsID available, gnomAD 0.0009%).

Literature cited by the submitters: PubMed 16199547.